The following is an entry in ClinVar:

NM_001999.4(FBN2):c.8049G>T (p.Gly2683=)

Gene: FBN2 (fibrillin 2; minus strand). Cytogenetic location: 5q23.3.
Variant type: single nucleotide variant.
Coding change: c.8049G>T on transcript NM_001999.4 (MANE Select); coding-DNA position 8049, G replaced by T.
Protein change: p.Gly2683=; no amino-acid change (glycine 2683 retained).
Molecular consequence: synonymous variant.
Genome position (GRCh38, 1-based): chr5:128,263,568, C>A on the plus strand (G>T on the coding strand, the complement: FBN2 is on the minus strand). VCF-style: chr5-128263568-C-A. GRCh37 (hg19) VCF-style: chr5-127599260-C-A.
Identifiers: ClinVar variation 528450 (VCV000528450.27), dbSNP rs138044126, ClinGen allele CA3393944.

ClinVar aggregate classification (germline): Likely benign. Review status: criteria provided, multiple submitters, no conflicts (2 of 4 stars). 3 submissions from 3 submitters: Likely benign (3). Last evaluated 2025-12-13.

Conditions:
Congenital contractural arachnodactyly (CCA). Also called: BEALS SYNDROME; Beals-Hecht syndrome; Arthrogryposis, distal, type 9. Identifiers: Orphanet 115, MedGen C0220668, MONDO:0007363, OMIM 121050.
Familial thoracic aortic aneurysm and aortic dissection (TAAD). Also called: Thoracic aortic aneurysms and dissections. Identifiers: Orphanet 91387, MedGen C4707243, MONDO:0019625.

Allele frequency attached by ClinVar (database versions not stated): TOPMed 0.00002.
gnomAD v4.1: 22 of 1,614,110 alleles (0.0014%); highest among the groups gnomAD compares: Non-Finnish European, 0.0019%; no homozygotes.

Submissions (3):

Labcorp Genetics (formerly Invitae), Labcorp
Classification: Likely benign for Congenital contractural arachnodactyly. Last evaluated: 2025-12-13. Review status: criteria provided, single submitter. Criteria: Invitae Variant Classification Sherloc (09022015). Collection method: clinical testing. Allele origin: germline.

Ambry Genetics
Classification: Likely benign for Familial thoracic aortic aneurysm and aortic dissection. Last evaluated: 2025-05-05. Review status: criteria provided, single submitter. Criteria: Ambry Variant Classification Scheme 2023. Collection method: clinical testing. Allele origin: germline.

CeGaT Center for Human Genetics Tuebingen
Classification: Likely benign. Last evaluated: 2024-08-01. Review status: criteria provided, single submitter. Criteria: CeGaT Center For Human Genetics Tuebingen Variant Classification Criteria Version 2. Collection method: clinical testing. Allele origin: germline. Affected: yes. Observed: 1 variant allele.
Comment: FBN2: BP4, BP7